The following is an entry in ClinVar:

ClinVar aggregate classification (germline): Conflicting classifications of pathogenicity. Review status: criteria provided, conflicting classifications (1 of 4 stars). 10 submissions from 10 submitters: Uncertain significance (7); Likely benign (3). Last evaluated 2025-10-20.

Conditions:
TTN-related disorder. Also called: TTN-related condition; TTN-related disease; TTN-related disorders.
Cardiovascular phenotype. Identifiers: MedGen CN230736.
Dilated cardiomyopathy 1G (CMD1G). Identifiers: Orphanet 154, MedGen C1858763, MONDO:0011400, OMIM 604145.
Autosomal recessive limb-girdle muscular dystrophy type 2J (LGMDR10). Also called: Limb-girdle muscular dystrophy, type 2J; MUSCULAR DYSTROPHY, LIMB-GIRDLE, AUTOSOMAL RECESSIVE 10. Identifiers: Orphanet 140922, MedGen C1837342, MONDO:0012127, OMIM 608807.
Cardiomyopathy (CMYO). Also called: Cardiomyopathies. Identifiers: Orphanet 167848, MedGen C0878544, MONDO:0004994, HP:0001638. Inheritance: Various modes of inheritance.

Allele frequency attached by ClinVar (database versions not stated): gnomAD 0.00016; TOPMed 0.00019; ESP Exome Variant Server 0.00023; 1000 Genomes Project 0.00040; 1000 Genomes Project 30x 0.00062.
gnomAD v4.1: 388 of 1,614,026 alleles (0.024%); highest among the groups gnomAD compares: Non-Finnish European, 0.031%; no homozygotes.

Submissions (10):

Mayo Clinic Laboratories, Mayo Clinic
Classification: Uncertain significance. Last evaluated: 2025-10-20. Review status: criteria provided, single submitter. Criteria: ACMG Guidelines, 2015. Collection method: clinical testing. Allele origin: germline. Observed: 1 variant allele.

PreventionGenetics, part of Exact Sciences
Classification: Likely benign for TTN-related condition. Last evaluated: 2025-05-24. Review status: criteria provided, single submitter. Criteria: ACMG Guidelines, 2015. Collection method: clinical testing. Allele origin: germline.
Comment: This variant is classified as likely benign based on ACMG/AMP sequence variant interpretation guidelines (Richards et al. 2015 PMID: 25741868, with internal and published modifications).

Revvity Omics, Revvity
Classification: Uncertain significance. Last evaluated: 2023-07-12. Review status: criteria provided, single submitter. Criteria: ACMG Guidelines, 2015. Collection method: clinical testing. Allele origin: germline.

Blueprint Genetics
Classification: Uncertain significance. Last evaluated: 2022-05-09. Review status: criteria provided, single submitter. Criteria: ACMG Guidelines, 2015. Collection method: clinical testing. Allele origin: germline.

GeneDx
Classification: Likely benign. Last evaluated: 2021-04-29. Review status: criteria provided, single submitter. Criteria: GeneDx Variant Classification Process June 2021. Collection method: clinical testing. Allele origin: germline. Affected: yes.
Comment: This variant is associated with the following publications: (PMID: 23861362, 27321809, 24667040)

Ambry Genetics
Classification: Likely benign for Cardiovascular phenotype. Last evaluated: 2020-05-21. Review status: criteria provided, single submitter. Criteria: Ambry Variant Classification Scheme 2023. Collection method: clinical testing. Allele origin: germline.

Labcorp Genetics (formerly Invitae), Labcorp
Classification: Uncertain significance for Dilated cardiomyopathy 1G; Autosomal recessive limb-girdle muscular dystrophy type 2J. Last evaluated: 2017-12-19. Review status: criteria provided, single submitter. Criteria: Invitae Variant Classification Sherloc (09022015). Collection method: clinical testing. Allele origin: germline.

CHEO Genetics Diagnostic Laboratory, Children's Hospital of Eastern Ontario
Classification: Uncertain significance for Cardiomyopathy. Last evaluated: 2017-11-10. Review status: criteria provided, single submitter. Criteria: ACMG Guidelines, 2015. Collection method: clinical testing. Allele origin: germline.

Eurofins Ntd Llc (ga)
Classification: Uncertain significance. Last evaluated: 2016-08-31. Review status: criteria provided, single submitter. Criteria: EGL Classification Definitions 2015. Collection method: clinical testing. Allele origin: germline. Observed: 5 variant alleles, 5 heterozygotes.

Biesecker Lab/Clinical Genomics Section, National Institutes of Health
Classification: Uncertain significance. Last evaluated: 2013-06-24. Review status: criteria provided, single submitter. Criteria: Ng et al. (Circ Cardiovasc Genet. 2013). Collection method: research. Allele origin: unknown. Observed: 1 variant allele. Study: ClinSeq.
Comment: The study set was not selected for affection status in relation to any cancer. Pathogenicity categories were based on literature curation. See Pubmed ID:23861362 for details.

Medical sequencing

Literature cited by the submitters: PubMed 27321809 (cited by Mayo Clinic Laboratories, Mayo Clinic and Ambry Genetics); PubMed 24667040 (cited by Ambry Genetics).

NM_001267550.2(TTN):c.9857A>G (p.Lys3286Arg)

Gene: TTN (titin; minus strand). Cytogenetic location: 2q31.2.
Variant type: single nucleotide variant.
Coding change: c.9857A>G on transcript NM_001267550.2 (MANE Select); coding-DNA position 9857, A replaced by G.
Protein change: p.Lys3286Arg; replaces lysine 3286 with arginine.
Molecular consequence: missense variant.
Genome position (GRCh38, 1-based): chr2:178,764,658, T>C on the plus strand (A>G on the coding strand, the complement: TTN is on the minus strand). VCF-style: chr2-178764658-T-C. GRCh37 (hg19) VCF-style: chr2-179629385-T-C.
Other names: p.K3286R:AAA>AGA; p.Lys3286Arg; c.9857A>G, p.Lys3286Arg (NM_001256850.1, NM_133378.4, NM_133379.5); c.9719A>G, p.Lys3240Arg (NM_003319.4, NM_133432.3, NM_133437.4); short protein forms K3286R, K3240R.
Identifiers: ClinVar variation 192063 (VCV000192063.21), dbSNP rs200052398, ClinGen allele CA302531.